The following is an entry in ClinVar:

ClinVar aggregate classification (germline): Likely pathogenic. Review status: criteria provided, multiple submitters, no conflicts (2 of 4 stars). 2 submissions from 2 submitters: Likely pathogenic (2). Last evaluated 2025-11-14.

Conditions:
Combined malonic and methylmalonic acidemia. Identifiers: Orphanet 289504, MedGen C3280314, MONDO:0013661, OMIM 614265.

Submissions (2):

Variantyx, Inc.
Classification: Likely pathogenic for Combined malonic and methylmalonic acidemia. Last evaluated: 2025-11-14. Review status: criteria provided, single submitter. Criteria: Variantyx Assertion Criteria 2022. Collection method: clinical testing. Allele origin: germline. Inheritance: Autosomal recessive inheritance. Affected: yes.
Comment: This is a frameshift variant in the ACSF3 gene (OMIM: 614245). Pathogenic variants in this gene have been associated with autosomal recessive combined malonic and methylmalonic aciduria (CMAMMA). This variant is expected to result in loss of function, which is a known disease mechanism for ACSF3 in this disorder (PMID:30740739) (PVS1). This variant is absent from control populations (PM2). Based on the current evidence, this variant is classified as likely pathogenic for autosomal recessive combined malonic and methylmalonic aciduria (CMAMMA).

Baylor Genetics
Classification: Likely pathogenic for Combined malonic and methylmalonic acidemia. Last evaluated: 2023-09-07. Review status: criteria provided, single submitter. Criteria: ACMG Guidelines, 2015. Collection method: clinical testing. Allele origin: unknown.

Literature cited by the submitters: PubMed 30740739 (cited by Variantyx, Inc.).

NM_001243279.3(ACSF3):c.1563_1564dup (p.Leu522fs)

Gene: ACSF3 (acyl-CoA synthetase family member 3; plus strand). Cytogenetic location: 16q24.3.
Variant type: Duplication.
Coding change: c.1563_1564dup on transcript NM_001243279.3 (MANE Select); coding-DNA positions 1563 to 1564, 2 bases duplicated (CC; older notation c.1563_1564dupCC).
Protein change: p.Leu522fs; shifts the reading frame from leucine 522.
Molecular consequence: frameshift variant. On other transcripts: non-coding transcript variant (4).
Genome position (GRCh38, 1-based): chr16:89,145,999-89,146,000, CC duplicated; duplicating any 2 consecutive bases within chr16:89,145,998-89,146,000 gives the same sequence; the c. name uses the placement nearest the transcript's 3' end. VCF-style (leftmost placement, unchanged base first): chr16-89145997-A-ACC. GRCh37 (hg19) VCF-style: chr16-89212405-A-ACC.
Other names: c.1563_1564dup, p.Leu522fs (NM_001127214.4, NM_174917.5); c.768_769dup, p.Leu257fs (NM_001284316.2); short protein forms L257fs, L522fs.
Identifiers: ClinVar variation 2680423 (VCV002680423.2), dbSNP rs2543867156, ClinGen allele CA2695201156.